The following is an entry in ClinVar:

ClinVar aggregate classification (germline): Benign/Likely benign. Review status: criteria provided, multiple submitters, no conflicts (2 of 4 stars). 5 submissions from 5 submitters: Benign (1); Likely benign (4). Last evaluated 2025-06-25.

Conditions:
Hereditary cancer-predisposing syndrome. Also called: Hereditary Cancer Syndrome; Neoplastic Syndromes, Hereditary; Hereditary neoplastic syndrome; Tumor predisposition. Identifiers: Orphanet 140162, MedGen C0027672, MeSH D009386, MONDO:0015356.
Familial adenomatous polyposis 1 (FAP1). Also called: FAMILIAL ADENOMATOUS POLYPOSIS 1, ATTENUATED; POLYPOSIS, ADENOMATOUS INTESTINAL. Identifiers: MedGen C2713442, MONDO:0021056, OMIM 175100. Disease mechanism: loss of function.
Classic or attenuated familial adenomatous polyposis. Identifiers: MedGen CN372698, MONDO:0021057.

Allele frequency attached by ClinVar (database versions not stated): gnomAD exomes below 0.00001; ExAC 0.00001; gnomAD 0.00001 and 0.00002; 1000 Genomes Project 30x 0.00016; 1000 Genomes Project 0.00020.
gnomAD v4.1: 4 of 1,614,224 alleles (0.00025%); highest among the groups gnomAD compares: African/African-American, 0.004%; no homozygotes.

Submissions (5):

Labcorp Genetics (formerly Invitae), Labcorp
Classification: Likely benign for Familial adenomatous polyposis 1. Last evaluated: 2025-06-25. Review status: criteria provided, single submitter. Criteria: Invitae Variant Classification Sherloc (09022015). Collection method: clinical testing. Allele origin: germline.

Myriad Genetics, Inc.
Classification: Benign for Familial adenomatous polyposis 1. Last evaluated: 2024-03-15. Review status: criteria provided, single submitter. Criteria: Myriad Autosomal Dominant, Autosomal Recessive and X-Linked Classification Criteria (2023). Collection method: clinical testing. Allele origin: unknown.
Comment: This variant is considered benign. This variant is a silent/synonymous amino acid change and it is not expected to impact splicing.

All of Us Research Program, National Institutes of Health
Classification: Likely benign for Classic or attenuated familial adenomatous polyposis. Last evaluated: 2023-04-03. Review status: criteria provided, single submitter. Criteria: ACMG Guidelines, 2015. Collection method: clinical testing. Allele origin: germline. Inheritance: Autosomal dominant inheritance. Observed: 1 variant allele, 1 heterozygote.
Comment: This study involves interpretation of variants in research participants for the purpose of population health screening. Participant phenotype was not available at the time of variant classification. Additional details can be found in publication PMID: 35346344, PMCID: PMC8962531

Ambry Genetics
Classification: Likely benign for Hereditary cancer-predisposing syndrome. Last evaluated: 2016-10-04. Review status: criteria provided, single submitter. Criteria: Ambry Variant Classification Scheme 2023. Collection method: clinical testing. Allele origin: germline.

Color Diagnostics, LLC DBA Color Health
Classification: Likely benign for Hereditary cancer-predisposing syndrome. Last evaluated: 2016-04-19. Review status: criteria provided, single submitter. Criteria: ACMG Guidelines, 2015. Collection method: clinical testing. Allele origin: germline.

NM_000038.6(APC):c.2853T>C (p.Tyr951=)

Gene: APC (APC regulator of Wnt signaling pathway; plus strand). Cytogenetic location: 5q22.2.
Variant type: single nucleotide variant.
Coding change: c.2853T>C on transcript NM_000038.6 (MANE Select); coding-DNA position 2853, T replaced by C.
Protein change: p.Tyr951=; no amino-acid change (tyrosine 951 retained).
Molecular consequence: synonymous variant.
Genome position (GRCh38, 1-based): chr5:112,838,447, T>C. VCF-style: chr5-112838447-T-C. GRCh37 (hg19) VCF-style: chr5-112174144-T-C.
Other names: c.2853T>C, p.Tyr951= (NM_001127510.3, NM_001354895.2); c.2799T>C, p.Tyr933= (NM_001127511.3); c.2907T>C, p.Tyr969= (NM_001354896.2); c.2883T>C, p.Tyr961= (NM_001354897.2); c.2778T>C, p.Tyr926= (NM_001354898.2); c.2769T>C, p.Tyr923= (NM_001354899.2); c.2730T>C, p.Tyr910= (NM_001354900.2); c.2676T>C, p.Tyr892= (NM_001354901.2); and 5 more.
Identifiers: ClinVar variation 428145 (VCV000428145.18), dbSNP rs575406600, ClinGen allele CA033757.